The following is an entry in ClinVar:

ClinVar aggregate classification (germline): Uncertain significance (1 of 4 stars; one submission).

Conditions:
Hereditary cancer-predisposing syndrome. Also called: Neoplastic Syndromes, Hereditary; Hereditary Cancer Syndrome; Hereditary neoplastic syndrome; Tumor predisposition. Identifiers: Orphanet 140162, MedGen C0027672, MeSH D009386, MONDO:0015356.

Submission:

Ambry Genetics
Classification: Uncertain significance for Hereditary cancer-predisposing syndrome. Last evaluated: 2023-04-18. Review status: criteria provided, single submitter. Criteria: Ambry Variant Classification Scheme 2023. Collection method: clinical testing. Allele origin: germline.
Comment: The p.G145A variant (also known as c.434G>C), located in coding exon 3 of the TMEM127 gene, results from a G to C substitution at nucleotide position 434. The glycine at codon 145 is replaced by alanine, an amino acid with similar properties. This amino acid position is conserved. In addition, this alteration is predicted to be deleterious by in silico analysis. Since supporting evidence is limited at this time, the clinical significance of this alteration remains unclear.

NM_017849.4(TMEM127):c.434G>C (p.Gly145Ala)

Gene: TMEM127 (transmembrane protein 127; minus strand). Cytogenetic location: 2q11.2.
Variant type: single nucleotide variant.
Coding change: c.434G>C on transcript NM_017849.4 (MANE Select); coding-DNA position 434, G replaced by C.
Protein change: p.Gly145Ala; replaces glycine 145 with alanine.
Molecular consequence: missense variant.
Genome position (GRCh38, 1-based): chr2:96,254,091, C>G on the plus strand (G>C on the coding strand, the complement: TMEM127 is on the minus strand). VCF-style: chr2-96254091-C-G. GRCh37 (hg19) VCF-style: chr2-96919829-C-G.
Other names: c.434G>C, p.Gly145Ala (NM_001193304.3); c.182G>C, p.Gly61Ala (NM_001407282.1, NM_001407283.1); short protein forms G61A, G145A.
Identifiers: ClinVar variation 2563320 (VCV002563320.2), dbSNP rs2104285264, ClinGen allele CA347653092.